The following is an entry in ClinVar:

ClinVar aggregate classification (germline): Uncertain significance (1 of 4 stars; one submission).

Conditions:
Inborn genetic diseases. Identifiers: MedGen C0950123, MeSH D030342.

Submission:

Ambry Genetics
Classification: Uncertain significance for Inborn genetic diseases. Last evaluated: 2021-06-29. Review status: criteria provided, single submitter. Criteria: Ambry Variant Classification Scheme 2023. Collection method: clinical testing. Allele origin: germline.
Comment: The p.S19Y variant (also known as c.56C>A), located in coding exon 2 of the EPAS1 gene, results from a C to A substitution at nucleotide position 56. The serine at codon 19 is replaced by tyrosine, an amino acid with dissimilar properties. This amino acid position is conserved. In addition, the in silico prediction for this alteration is inconclusive. Since supporting evidence is limited at this time, the clinical significance of this alteration remains unclear.

NM_001430.5(EPAS1):c.56C>A (p.Ser19Tyr)

Gene: EPAS1 (endothelial PAS domain protein 1; plus strand). Cytogenetic location: 2p21.
Variant type: single nucleotide variant.
Coding change: c.56C>A on transcript NM_001430.5 (MANE Select); coding-DNA position 56, C replaced by A.
Protein change: p.Ser19Tyr; replaces serine 19 with tyrosine.
Molecular consequence: missense variant.
Genome position (GRCh38, 1-based): chr2:46,346,902, C>A. VCF-style: chr2-46346902-C-A. GRCh37 (hg19) VCF-style: chr2-46574041-C-A.
Other names: short protein forms S19Y.
Identifiers: ClinVar variation 1749147 (VCV001749147.2), dbSNP rs2103616118, ClinGen allele CA346696866.